The following is an entry in ClinVar:

NM_000256.3(MYBPC3):c.2536G>C (p.Val846Leu)

Gene: MYBPC3 (myosin binding protein C3; minus strand). Cytogenetic location: 11p11.2.
Variant type: single nucleotide variant.
Coding change: c.2536G>C on transcript NM_000256.3 (MANE Select); coding-DNA position 2536, G replaced by C.
Protein change: p.Val846Leu; replaces valine 846 with leucine.
Molecular consequence: missense variant.
Genome position (GRCh38, 1-based): chr11:47,337,457, C>G on the plus strand (G>C on the coding strand, the complement: MYBPC3 is on the minus strand). VCF-style: chr11-47337457-C-G. GRCh37 (hg19) VCF-style: chr11-47359008-C-G.
Other names: short protein forms V846L.
Identifiers: ClinVar variation 1171573 (VCV001171573.6), dbSNP rs747774791, ClinGen allele CA380318169.

ClinVar aggregate classification (germline): Uncertain significance. Review status: criteria provided, multiple submitters, no conflicts (2 of 4 stars). 3 submissions from 3 submitters: Uncertain significance (3). Last evaluated 2024-03-06.

Conditions:
Cardiovascular phenotype. Identifiers: MedGen CN230736.
Cardiomyopathy (CMYO). Also called: Cardiomyopathies. Identifiers: Orphanet 167848, MedGen C0878544, MONDO:0004994, HP:0001638. Inheritance: Various modes of inheritance.

gnomAD v4.1: 3 of 1,613,564 alleles (0.00019%); highest among the groups gnomAD compares: East Asian, 0.0022%; no homozygotes.

Submissions (3):

Color Diagnostics, LLC DBA Color Health
Classification: Uncertain significance for Cardiomyopathy. Last evaluated: 2024-03-06. Review status: criteria provided, single submitter. Criteria: ACMG Guidelines, 2015. Collection method: clinical testing. Allele origin: germline.
Comment: This missense variant replaces valine with leucine at codon 846 of the MYBPC3 protein. Computational prediction is inconclusive regarding the impact of this variant on protein structure and function (internally defined REVEL score threshold 0.5 < inconclusive < 0.7, PMID: 27666373). To our knowledge, functional studies have not been reported for this variant. This variant has not been reported in individuals affected with cardiovascular disorders in the literature. This variant has not been identified in the general population by the Genome Aggregation Database (gnomAD). The available evidence is insufficient to determine the role of this variant in disease conclusively. Therefore, this variant is classified as a Variant of Uncertain Significance.

CHEO Genetics Diagnostic Laboratory, Children's Hospital of Eastern Ontario
Classification: Uncertain significance for Cardiomyopathy. Last evaluated: 2023-03-07. Review status: criteria provided, single submitter. Criteria: ACMG Guidelines, 2015. Collection method: clinical testing. Allele origin: germline.

Ambry Genetics
Classification: Uncertain significance for Cardiovascular phenotype. Last evaluated: 2023-02-08. Review status: criteria provided, single submitter. Criteria: Ambry Variant Classification Scheme 2023. Collection method: clinical testing. Allele origin: germline.
Comment: The p.V846L variant (also known as c.2536G>C), located in coding exon 25 of the MYBPC3 gene, results from a G to C substitution at nucleotide position 2536. The valine at codon 846 is replaced by leucine, an amino acid with highly similar properties. This amino acid position is conserved. In addition, the in silico prediction for this alteration is inconclusive. Since supporting evidence is limited at this time, the clinical significance of this alteration remains unclear.